The following is an entry in ClinVar:

NM_003072.5(SMARCA4):c.2001+4A>G

Gene: SMARCA4 (SWI/SNF related BAF chromatin remodeling complex subunit ATPase 4; plus strand). Cytogenetic location: 19p13.2.
Variant type: single nucleotide variant.
Coding change: c.2001+4A>G on transcript NM_003072.5 (MANE Select); 4 bases into the intron after coding-DNA position 2001, A replaced by G.
Molecular consequence: intron variant.
Genome position (GRCh38, 1-based): chr19:11,003,401, A>G. VCF-style: chr19-11003401-A-G. GRCh37 (hg19) VCF-style: chr19-11114077-A-G.
Other names: c.2001+4A>G (NM_001128844.3, NM_001128849.3, NM_001128847.4 and 5 more transcripts).
Identifiers: ClinVar variation 480621 (VCV000480621.14), dbSNP rs1343722342, ClinGen allele CA631754903.

ClinVar aggregate classification (germline): Uncertain significance. Review status: criteria provided, multiple submitters, no conflicts (2 of 4 stars). 3 submissions from 3 submitters: Uncertain significance (3). Last evaluated 2024-06-28.

Conditions:
Hereditary cancer-predisposing syndrome. Also called: Hereditary Cancer Syndrome; Neoplastic Syndromes, Hereditary; Tumor predisposition; Hereditary neoplastic syndrome. Identifiers: Orphanet 140162, MedGen C0027672, MeSH D009386, MONDO:0015356.
Intellectual disability, autosomal dominant 16 (CSS4). Also called: COFFIN-SIRIS SYNDROME 4. Identifiers: Orphanet 1465, MedGen C3553249, MONDO:0013821, OMIM 614609.
Rhabdoid tumor predisposition syndrome 2 (RTPS2). Identifiers: Orphanet 231108, Orphanet 69077, MedGen C2750074, MONDO:0013224, OMIM 613325.

Allele frequency attached by ClinVar (database versions not stated): gnomAD exomes below 0.00001.

Submissions (3):

Ambry Genetics
Classification: Uncertain significance for Hereditary cancer-predisposing syndrome. Last evaluated: 2024-06-28. Review status: criteria provided, single submitter. Criteria: Ambry Variant Classification Scheme 2023. Collection method: clinical testing. Allele origin: germline.
Comment: The c.2001+4A>G intronic variant results from an A to G substitution 4 nucleotides after coding exon 12 in the SMARCA4 gene. This nucleotide position is well conserved in available vertebrate species. In silico splice site analysis predicts that this alteration will not have any significant effect on splicing. Based on the available evidence, the clinical significance of this variant remains unclear.

Genome-Nilou Lab
Classification: Uncertain significance for Intellectual disability, autosomal dominant 16. Last evaluated: 2021-07-15. Review status: criteria provided, single submitter. Criteria: ACMG Guidelines, 2015. Collection method: clinical testing. Allele origin: germline. Affected: no.

Labcorp Genetics (formerly Invitae), Labcorp
Classification: Uncertain significance for Rhabdoid tumor predisposition syndrome 2. Last evaluated: 2018-06-07. Review status: criteria provided, single submitter. Criteria: Invitae Variant Classification Sherloc (09022015). Collection method: clinical testing. Allele origin: germline.
Comment: This variant has not been reported in the literature in individuals with SMARCA4-related disease. ClinVar contains an entry for this variant (Variation ID: 480621). In summary, the available evidence is currently insufficient to determine the role of this variant in disease. Therefore, it has been classified as a Variant of Uncertain Significance. Nucleotide substitutions within the consensus splice site are a relatively common cause of aberrant splicing (PMID: 17576681, 9536098). Algorithms developed to predict the effect of sequence changes on RNA splicing suggest that this variant may disrupt the consensus splice site, but this prediction has not been confirmed by published transcriptional studies. This variant is not present in population databases (ExAC no frequency). This sequence change falls in intron 13 of the SMARCA4 gene. It does not directly change the encoded amino acid sequence of the SMARCA4 protein, but it affects a nucleotide within the consensus splice site of the intron.

Literature cited by the submitters: PubMed 17576681 (cited by Labcorp Genetics (formerly Invitae), Labcorp); PubMed 9536098 (cited by Labcorp Genetics (formerly Invitae), Labcorp).